The following is an entry in ClinVar:

NM_000179.3(MSH6):c.3939_3940dup (p.Gln1314fs)

Gene: MSH6 (mutS homolog 6; plus strand). Cytogenetic location: 2p16.3.
Variant type: Duplication.
Coding change: c.3939_3940dup on transcript NM_000179.3 (MANE Select); coding-DNA positions 3939 to 3940, 2 bases duplicated (TC; older notation c.3939_3940dupTC).
Protein change: p.Gln1314fs; shifts the reading frame from glutamine 1314.
Molecular consequence: frameshift variant.
Genome position (GRCh38, 1-based): chr2:47,806,589-47,806,590, TC duplicated. VCF-style (leftmost placement, unchanged base first): chr2-47806588-T-TTC. GRCh37 (hg19) VCF-style: chr2-48033727-T-TTC.
Other names: p.Gln1314LeufsX14; c.3939_3940dupTC (NM_000179.2); c.3549_3550dup, p.Gln1184fs (NM_001281492.2); c.3033_3034dup, p.Gln1012fs (NM_001281493.2, NM_001281494.2); short protein forms Q1012fs, Q1314fs, Q1184fs.
Identifiers: ClinVar variation 182683 (VCV000182683.29), dbSNP rs730881830, ClinGen allele CA014773.
Genomic context (GRCh38, chr2:47,806,588, plus strand): 5'-CTTGTCCTAAAAGCTATGGCTTTAATGCAGCAAGGCTTGCTAATCTCCCAGAGGAAGTTA[T>TTC]TCAAAAGGGACATAGAAAAGCAAGAGAATTTGAGAAGATGAATCAGTCACTACGATTATT-3'

ClinVar aggregate classification (germline): Pathogenic/Likely pathogenic. Review status: criteria provided, multiple submitters, no conflicts (2 of 4 stars). 10 submissions from 10 submitters: Pathogenic (8); Likely pathogenic (2). Last evaluated 2025-05-13.

Conditions:
Hereditary nonpolyposis colon cancer (HNPCC). Also called: Hereditary Nonpolyposis Colorectal Cancer Syndrome; Hereditary nonpolyposis colorectal cancer; Familial nonpolyposis colon cancer. Identifiers: Orphanet 443909, MedGen C1333990, MONDO:0018630. Disease mechanism: loss of function.
Hereditary nonpolyposis colorectal neoplasms. Identifiers: MedGen C0009405, MeSH D003123.
Hereditary cancer-predisposing syndrome. Also called: Tumor predisposition; Hereditary Cancer Syndrome; Hereditary neoplastic syndrome; Neoplastic Syndromes, Hereditary. Identifiers: Orphanet 140162, MedGen C0027672, MeSH D009386, MONDO:0015356.
Lynch syndrome. Identifiers: Orphanet 144, MedGen C4552100, MONDO:0005835. Disease mechanism: loss of function.
Endometrial carcinoma. Also called: Endometrial carcinoma, somatic. Identifiers: MedGen C0476089, MONDO:0002447, OMIM 608089, HP:0012114.
Lynch syndrome 5 (LYNCH5). Also called: Colorectal cancer, hereditary nonpolyposis, type 5; Hereditary non-polyposis colorectal cancer, type 5. Identifiers: Orphanet 144, MedGen C1833477, MONDO:0013710, OMIM 614350. Disease mechanism: loss of function.

Allele frequency attached by ClinVar (database versions not stated): gnomAD exomes below 0.00001.

Submissions 1 to 8 of 10:

GeneDx
Classification: Pathogenic. Last evaluated: 2025-05-13. Review status: criteria provided, single submitter. Criteria: GeneDx Variant Classification Process June 2021. Collection method: clinical testing. Allele origin: germline. Affected: yes.
Comment: Not observed at significant frequency in large population cohorts (gnomAD); Truncating variants in this gene are considered pathogenic by a well-established clinical consortium and/or database; Frameshift variant predicted to result in protein truncation in a gene for which loss of function is a known mechanism of disease; Observed in an individual with diffuse gastric cancer who also harbored a pathogenic CDH1 variant as well as in individuals with ovarian cancer or those undergoing multi-gene panel testing whose cancer history was unclear (PMID: 26681312, 28514183, 28888541, 31447099, 36313796); This variant is associated with the following publications: (PMID: 26681312, 28152038, 28514183, 19851887, 14520694, 24440087, 28888541, 31447099, 29345684, 36313796)

Ambry Genetics
Classification: Pathogenic for Hereditary cancer-predisposing syndrome. Last evaluated: 2025-05-07. Review status: criteria provided, single submitter. Criteria: Ambry Variant Classification Scheme 2023. Collection method: clinical testing. Allele origin: germline.
Comment: The c.3939_3940dupTC pathogenic mutation, located in coding exon 9 of the MSH6 gene, results from a duplication of TC at nucleotide position 3939, causing a translational frameshift with a predicted alternate stop codon (p.Q1314Lfs*14). This alteration occurs at the 3' terminus of theMSH6 gene, is not expected to trigger nonsense-mediated mRNA decay, and impacts the last 3% of the protein. However, premature stop codons are typically deleterious in nature and the impacted region is critical for protein function (Ambry internal data). This mutation has been identified in an individual who was diagnosed with bladder and colorectal cancer (Susswein LR et al. Genet. Med. 2016 Aug;18:823-32). Based on the supporting evidence, this variant is interpreted as a disease-causing mutation.

Labcorp Genetics (formerly Invitae), Labcorp
Classification: Pathogenic for Hereditary nonpolyposis colorectal neoplasms. Last evaluated: 2025-04-09. Review status: criteria provided, single submitter. Criteria: Invitae Variant Classification Sherloc (09022015). Collection method: clinical testing. Allele origin: germline.
Comment: This sequence change creates a premature translational stop signal (p.Gln1314Leufs*14) in the MSH6 gene. While this is not anticipated to result in nonsense mediated decay, it is expected to disrupt the last 47 amino acid(s) of the MSH6 protein. This variant is not present in population databases (gnomAD no frequency). This premature translational stop signal has been observed in individual(s) with colorectal and bladder cancer (PMID: 26681312). Invitae Evidence Modeling of clinical and family history, age, sex, and reported ancestry of multiple individuals with this MSH6 variant has been performed. This variant is expected to be pathogenic with a positive predictive value of at least 99%. This is a validated machine learning model that incorporates the clinical features of 1,370,736 individuals referred to our laboratory for MSH6 testing. ClinVar contains an entry for this variant (Variation ID: 182683). This variant disrupts a region of the MSH6 protein in which other variant(s) (p.Leu1330Valfs*12) have been determined to be pathogenic (PMID: 14520694, 19851887, 24440087). This suggests that this is a clinically significant region of the protein, and that variants that disrupt it are likely to be disease-causing. For these reasons, this variant has been classified as Pathogenic.

Quest Diagnostics Nichols Institute San Juan Capistrano
Classification: Likely pathogenic. Last evaluated: 2024-12-19. Review status: criteria provided, single submitter. Criteria: Quest Diagnostics criteria. Collection method: clinical testing. Allele origin: unknown.
Comment: The MSH6 c.3939_3940dup (p.Gln1314Leufs*14) variant alters the translational reading frame of the MSH6 mRNA and is predicted to cause the premature termination of MSH6 protein synthesis. This variant has been reported in the published literature in individuals with colorectal and bladder cancer (PMID: 26681312 (2015)), ovarian cancer (PMID: 28888541 (2017)), and breast cancer (PMID: 29345684 (2018)). This variant was also observed in families with a history of Lynch syndrome or Lynch-related cancers (PMIDs: 28514183 (2017), 36313796 (2022)). This variant has not been reported in large, multi-ethnic general populations (Genome Aggregation Database). Based on the available information, this variant is classified as likely pathogenic.

Baylor Genetics
Classification: Pathogenic for Endometrial carcinoma. Last evaluated: 2024-03-25. Review status: criteria provided, single submitter. Criteria: ACMG Guidelines, 2015. Collection method: clinical testing. Allele origin: unknown.

Myriad Genetics, Inc.
Classification: Pathogenic for Lynch syndrome 5. Last evaluated: 2023-08-28. Review status: criteria provided, single submitter. Criteria: Myriad Autosomal Dominant, Autosomal Recessive and X-Linked Classification Criteria (2023). Collection method: clinical testing. Allele origin: unknown.
Comment: This variant is considered pathogenic. This variant creates a frameshift predicted to result in premature protein truncation.

All of Us Research Program, National Institutes of Health
Classification: Pathogenic for Lynch syndrome. Last evaluated: 2022-11-22. Review status: criteria provided, single submitter. Criteria: ACMG Guidelines, 2015. Collection method: clinical testing. Allele origin: germline. Inheritance: Autosomal dominant inheritance. Observed: 1 variant allele, 1 heterozygote.
Comment: The c.3939_3940dupTC (p.Gln1314Leufs*14) variant in MSH6 gene creates a frameshift that results in a premature termination codon, predicted to cause truncated or absent of protein product due to nonsense mediated decay. This variant has been reported in an individual screened for mismatch repair mutations whose phenotype was not described (PMID: 28514183), in an individual with breast cancer (PMID: 29345684) and in an individual who was diagnosed with colorectal and bladder cancer (PMID: 26681312). Other frameshift variants affecting the same amino acid frame, c.3938_3941dupTTCA, c.3941_3942insTC has been reported to cause endometrial cancer, colorectal cancer and Lynch syndrome (PMID: 18269114, 26099011, 22658618, 30608896). Several truncating variants downstream of this variant region have been determined to be pathogenic and cause various cancer types (PMID:24440087, 19851887, 14520694). Truncating loss of function variants in MSH6 are known to be pathogenic (PMID: 14974087, 2815724, 18269114, 24362816). This variant was found to be absent in the general population according to gnomAD. Therefore, c.3939_3940dupTC (p.Gln1314Leufs*14) variant of MSH6 gene is classified as pathogenic.

This study involves interpretation of variants in research participants for the purpose of population health screening. Participant phenotype was not available at the time of variant classification. Additional details can be found in publication PMID: 35346344, PMCID: PMC8962531

Color Diagnostics, LLC DBA Color Health
Classification: Pathogenic for Hereditary cancer-predisposing syndrome. Last evaluated: 2022-11-03. Review status: criteria provided, single submitter. Criteria: ACMG Guidelines, 2015. Collection method: clinical testing. Allele origin: germline.
Comment: This variant inserts 2 nucleotides in exon 9 of the MSH6 gene, creating a frameshift and premature translation stop signal. This variant is expected to result in an absent or non-functional protein product. This variant has been reported in an individual affected with bladder and colorectal cancer (PMID: 26681312) and in an individual undergoing screening for mismatch repair gene mutations (PMID: 28514183). This variant has not been identified in the general population by the Genome Aggregation Database (gnomAD). Loss of MSH6 function is a known mechanism of disease. Based on the available evidence, this variant is classified as Pathogenic.